The following is an entry in ClinVar:

ClinVar aggregate classification (germline): Uncertain significance (1 of 4 stars; one submission).

Submission:

Ambry Genetics
Classification: Uncertain significance. Last evaluated: 2026-08-17. Review status: criteria provided, single submitter. Criteria: Ambry Variant Classification Scheme 2023. Collection method: clinical testing. Allele origin: germline.
Comment: The c.217G>C (p.E73Q) alteration is located in exon 3 (coding exon 2) of the CEP295 gene. This alteration results from a G to C substitution at nucleotide position 217, causing the glutamic acid (E) at amino acid position 73 to be replaced by a glutamine (Q). Based on data from gnomAD, the C allele has an overall frequency of 0.001% (2/156916) total alleles studied. The highest observed frequency was 0.008% (2/24678) of Latino alleles. Based on insufficient or conflicting evidence, the clinical significance of this alteration remains unclear.

NM_033395.2(CEP295):c.217G>C (p.Glu73Gln)

Gene: CEP295 (centrosomal protein 295; plus strand). Cytogenetic location: 11q21.
Variant type: single nucleotide variant.
Coding change: c.217G>C on transcript NM_033395.2 (MANE Select); coding-DNA position 217, G replaced by C.
Protein change: p.Glu73Gln; replaces glutamic acid 73 with glutamine.
Molecular consequence: missense variant.
Genome position (GRCh38, 1-based): chr11:93,667,715, G>C. VCF-style: chr11-93667715-G-C. GRCh37 (hg19) VCF-style: chr11-93400881-G-C.
Other names: short protein forms E73Q.
Identifiers: ClinVar variation 5034351 (VCV005034351.1).